The following is an entry in ClinVar:

NM_001160148.2(DDHD1):c.55_56insTCGGCG (p.Gly18_Gly19insValGly)

Gene: DDHD1 (DDHD domain containing 1; minus strand). Cytogenetic location: 14q22.1.
Variant type: Insertion.
Coding change: c.55_56insTCGGCG on transcript NM_001160148.2 (MANE Select); coding-DNA positions 55 to 56, TCGGCG inserted.
Protein change: p.Gly18_Gly19insValGly.
Molecular consequence: inframe insertion.
Genome position: GRCh38 VCF-style: chr14-53153043-C-CCGCCGA. GRCh37 (hg19) VCF-style: chr14-53619761-C-CCGCCGA.
Other names: c.55_56insTCGGCG, p.Gly18_Gly19insValGly (NM_001160147.2, NM_030637.3).
Identifiers: ClinVar variation 2127911 (VCV002127911.4), dbSNP rs1891581048, ClinGen allele CA2137425979.

ClinVar aggregate classification (germline): Uncertain significance (1 of 4 stars; one submission).

Conditions:
Hereditary spastic paraplegia 28. Also called: Spastic paraplegia 28, autosomal recessive. Identifiers: Orphanet 101008, MedGen C1836295, MONDO:0012256, OMIM 609340.

Submission:

Labcorp Genetics (formerly Invitae), Labcorp
Classification: Uncertain significance for Hereditary spastic paraplegia 28. Last evaluated: 2022-04-19. Review status: criteria provided, single submitter. Criteria: Invitae Variant Classification Sherloc (09022015). Collection method: clinical testing. Allele origin: germline.
Comment: This variant has not been reported in the literature in individuals affected with DDHD1-related conditions. Experimental studies and prediction algorithms are not available or were not evaluated, and the functional significance of this variant is currently unknown. In summary, the available evidence is currently insufficient to determine the role of this variant in disease. Therefore, it has been classified as a Variant of Uncertain Significance. This variant, c.55_56insTCGGCG, results in the insertion of 2 amino acid(s) of the DDHD1 protein (p.Gly18_Gly19insValGly), but otherwise preserves the integrity of the reading frame. This variant is not present in population databases (gnomAD no frequency).